The following is an entry in ClinVar:

NM_177438.3(DICER1):c.1717G>A (p.Glu573Lys)

Gene: DICER1 (dicer 1, ribonuclease III; minus strand). Cytogenetic location: 14q32.13.
Variant type: single nucleotide variant.
Coding change: c.1717G>A on transcript NM_177438.3 (MANE Select); coding-DNA position 1717, G replaced by A.
Protein change: p.Glu573Lys; replaces glutamic acid 573 with lysine.
Molecular consequence: missense variant. On other transcripts: non-coding transcript variant (6).
Genome position (GRCh38, 1-based): chr14:95,116,488, C>T on the plus strand (G>A on the coding strand, the complement: DICER1 is on the minus strand). VCF-style: chr14-95116488-C-T. GRCh37 (hg19) VCF-style: chr14-95582825-C-T.
Other names: c.1312G>A, p.Glu438Lys (NM_001395696.1, NM_001395698.1, NM_001395687.1 and 3 more transcripts); c.34G>A, p.Glu12Lys (NM_001395697.1); c.1717G>A, p.Glu573Lys (NM_030621.4, NM_001195573.1, NM_001271282.3 and 13 more transcripts); c.1435G>A, p.Glu479Lys (NM_001395686.1); c.1150G>A, p.Glu384Lys (NM_001395691.1); short protein forms E12K, E384K, E479K, E573K, E438K.
Identifiers: ClinVar variation 2121013 (VCV002121013.6), dbSNP rs2543028452, ClinGen allele CA390884723.

ClinVar aggregate classification (germline): Uncertain significance. Review status: criteria provided, multiple submitters, no conflicts (2 of 4 stars). 2 submissions from 2 submitters: Uncertain significance (2). Last evaluated 2022-12-24.

Conditions:
DICER1-related tumor predisposition. Also called: DICER1 syndrome; DICER1-related pleuropulmonary blastoma cancer predisposition syndrome. Identifiers: Orphanet 284343, MedGen C3839822, MONDO:0100216.
Hereditary cancer-predisposing syndrome. Also called: Tumor predisposition; Hereditary Cancer Syndrome; Neoplastic Syndromes, Hereditary; Hereditary neoplastic syndrome. Identifiers: Orphanet 140162, MedGen C0027672, MeSH D009386, MONDO:0015356.

Submissions (2):

Ambry Genetics
Classification: Uncertain significance for Hereditary cancer-predisposing syndrome. Last evaluated: 2022-12-24. Review status: criteria provided, single submitter. Criteria: Ambry Variant Classification Scheme 2023. Collection method: clinical testing. Allele origin: germline.
Comment: The p.E573K variant (also known as c.1717G>A), located in coding exon 9 of the DICER1 gene, results from a G to A substitution at nucleotide position 1717. The glutamic acid at codon 573 is replaced by lysine, an amino acid with similar properties. This amino acid position is conserved. In addition, this alteration is predicted to be tolerated by in silico analysis. Since supporting evidence is limited at this time, the clinical significance of this alteration remains unclear.

Labcorp Genetics (formerly Invitae), Labcorp
Classification: Uncertain significance for DICER1-related tumor predisposition. Last evaluated: 2022-04-03. Review status: criteria provided, single submitter. Criteria: Invitae Variant Classification Sherloc (09022015). Collection method: clinical testing. Allele origin: germline.
Comment: In summary, the available evidence is currently insufficient to determine the role of this variant in disease. Therefore, it has been classified as a Variant of Uncertain Significance. Algorithms developed to predict the effect of missense changes on protein structure and function are either unavailable or do not agree on the potential impact of this missense change (SIFT: "Deleterious"; PolyPhen-2: "Benign"; Align-GVGD: "Class C0"). This variant has not been reported in the literature in individuals affected with DICER1-related conditions. This variant is not present in population databases (gnomAD no frequency). This sequence change replaces glutamic acid, which is acidic and polar, with lysine, which is basic and polar, at codon 573 of the DICER1 protein (p.Glu573Lys).